The following is an entry in ClinVar:

ClinVar aggregate classification (germline): Conflicting classifications of pathogenicity. Review status: criteria provided, conflicting classifications (1 of 4 stars). 4 submissions from 4 submitters: Uncertain significance (3); Likely benign (1). Last evaluated 2026-01-05.

Conditions:
Hereditary cancer-predisposing syndrome. Also called: Hereditary neoplastic syndrome; Hereditary Cancer Syndrome; Neoplastic Syndromes, Hereditary; Tumor predisposition. Identifiers: Orphanet 140162, MedGen C0027672, MeSH D009386, MONDO:0015356.
Neuroblastoma, susceptibility to, 3. Also called: ALK-Related Neuroblastic Tumor Susceptibility. Identifiers: Orphanet 635, MedGen C2751681, MONDO:0013083, OMIM 613014.

Allele frequency attached by ClinVar (database versions not stated): gnomAD 0.00001; ExAC 0.00002; gnomAD exomes 0.00002; TOPMed 0.00002.
gnomAD v4.1: 24 of 1,614,062 alleles (0.0015%); highest among the groups gnomAD compares: African/African-American, 0.0053%; no homozygotes.

Submissions (4):

Labcorp Genetics (formerly Invitae), Labcorp
Classification: Uncertain significance for Neuroblastoma, susceptibility to, 3. Last evaluated: 2026-01-05. Review status: criteria provided, single submitter. Criteria: Invitae Variant Classification Sherloc (09022015). Collection method: clinical testing. Allele origin: germline.
Comment: This sequence change replaces alanine, which is neutral and non-polar, with threonine, which is neutral and polar, at codon 585 of the ALK protein (p.Ala585Thr). This variant is present in population databases (rs772496459, gnomAD 0.006%). This variant has not been reported in the literature in individuals affected with ALK-related conditions. ClinVar contains an entry for this variant (Variation ID: 423499). An algorithm developed to predict the effect of missense changes on protein structure and function (PolyPhen-2) suggests that this variant is likely to be tolerated. In summary, the available evidence is currently insufficient to determine the role of this variant in disease. Therefore, it has been classified as a Variant of Uncertain Significance.

Ambry Genetics
Classification: Likely benign for Hereditary cancer-predisposing syndrome. Last evaluated: 2025-01-08. Review status: criteria provided, single submitter. Criteria: Ambry Variant Classification Scheme 2023. Collection method: clinical testing. Allele origin: germline.

GeneDx
Classification: Uncertain significance. Last evaluated: 2024-04-08. Review status: criteria provided, single submitter. Criteria: GeneDx Variant Classification Process June 2021. Collection method: clinical testing. Allele origin: germline. Affected: yes.
Comment: In silico analysis supports that this missense variant does not alter protein structure/function; Has not been previously published as a germline pathogenic or benign variant to our knowledge; This variant is associated with the following publications: (PMID: 25512523, 25714698)

Baylor Genetics
Classification: Uncertain significance for Neuroblastoma, susceptibility to, 3. Last evaluated: 2023-01-26. Review status: criteria provided, single submitter. Criteria: ACMG Guidelines, 2015. Collection method: clinical testing. Allele origin: unknown.

NM_004304.5(ALK):c.1753G>A (p.Ala585Thr)

Gene: ALK (ALK receptor tyrosine kinase; minus strand). Cytogenetic location: 2p23.2.
Variant type: single nucleotide variant.
Coding change: c.1753G>A on transcript NM_004304.5 (MANE Select); coding-DNA position 1753, G replaced by A.
Protein change: p.Ala585Thr; replaces alanine 585 with threonine.
Molecular consequence: missense variant.
Genome position (GRCh38, 1-based): chr2:29,296,952, C>T on the plus strand (G>A on the coding strand, the complement: ALK is on the minus strand). VCF-style: chr2-29296952-C-T. GRCh37 (hg19) VCF-style: chr2-29519818-C-T.
Other names: short protein forms A585T.
Identifiers: ClinVar variation 423499 (VCV000423499.14), dbSNP rs772496459, ClinGen allele CA1594543.